The following is an entry in ClinVar:

ClinVar aggregate classification (germline): Likely benign (1 of 4 stars; one submission).

Allele frequency attached by ClinVar (database versions not stated): ExAC 0.00001; gnomAD exomes 0.00004; gnomAD 0.00005; TOPMed 0.00010.

Submission:

CeGaT Center for Human Genetics Tuebingen
Classification: Likely benign. Last evaluated: 2022-10-01. Review status: criteria provided, single submitter. Criteria: CeGaT Center For Human Genetics Tuebingen Variant Classification Criteria Version 2. Collection method: clinical testing. Allele origin: germline. Affected: yes. Observed: 1 variant allele.
Comment: PIDD1: BP4, BP7

NM_145886.4(PIDD1):c.855C>T (p.Ala285=)

Gene: PIDD1 (p53-induced death domain protein 1; minus strand). Cytogenetic location: 11p15.5.
Variant type: single nucleotide variant.
Coding change: c.855C>T on transcript NM_145886.4 (MANE Select); coding-DNA position 855, C replaced by T.
Protein change: p.Ala285=; no amino-acid change (alanine 285 retained).
Molecular consequence: synonymous variant.
Genome position (GRCh38, 1-based): chr11:802,746, G>A on the plus strand (C>T on the coding strand, the complement: PIDD1 is on the minus strand). VCF-style: chr11-802746-G-A. GRCh37 (hg19) VCF-style: chr11-802746-G-A.
Other names: c.855C>T, p.Ala285= (NM_145887.4).
Identifiers: ClinVar variation 2641095 (VCV002641095.24), dbSNP rs751029436, ClinGen allele CA5790321.